The following is an entry in ClinVar:

ClinVar aggregate classification (germline): Uncertain significance. Review status: criteria provided, single submitter (1 of 4 stars). 2 submissions from 2 submitters: Uncertain significance (1). 1 of the submissions does not count toward it. Last evaluated 2024-01-24.

Conditions:
SEMA3G-related disorder. Also called: SEMA3G-related condition.

gnomAD v4.1: 25 of 1,613,600 alleles (0.0015%); highest among the groups gnomAD compares: African/African-American, 0.0053%; no homozygotes.

Submissions (2):

Ambry Genetics
Classification: Uncertain significance. Last evaluated: 2024-01-24. Review status: criteria provided, single submitter. Criteria: Ambry Variant Classification Scheme 2023. Collection method: clinical testing. Allele origin: germline.

PreventionGenetics, part of Exact Sciences
Classification: Uncertain significance for SEMA3G-related condition. Last evaluated: 2024-07-01. Review status: no assertion criteria provided. Collection method: clinical testing. Allele origin: germline. Not counted in ClinVar's aggregate classification.
Comment: The SEMA3G c.1262G>A variant is predicted to result in the amino acid substitution p.Arg421Gln. To our knowledge, this variant has not been reported in the literature. This variant is reported in 0.010% of alleles in individuals of Ashkenazi Jewish descent in gnomAD. At this time, the clinical significance of this variant is uncertain due to the absence of conclusive functional and genetic evidence.

NM_020163.3(SEMA3G):c.1262G>A (p.Arg421Gln)

Gene: SEMA3G (semaphorin 3G; minus strand). Cytogenetic location: 3p21.1.
Variant type: single nucleotide variant.
Coding change: c.1262G>A on transcript NM_020163.3 (MANE Select); coding-DNA position 1262, G replaced by A.
Protein change: p.Arg421Gln; replaces arginine 421 with glutamine.
Molecular consequence: missense variant.
Genome position (GRCh38, 1-based): chr3:52,439,980, C>T on the plus strand (G>A on the coding strand, the complement: SEMA3G is on the minus strand). VCF-style: chr3-52439980-C-T. GRCh37 (hg19) VCF-style: chr3-52473996-C-T.
Other names: c.1262G>A (NM_020163.2); short protein forms R421Q.
Identifiers: ClinVar variation 3159742 (VCV003159742.2), dbSNP rs775423425, ClinGen allele CA2438010.